The following is an entry in ClinVar:

ClinVar aggregate classification (germline): Conflicting classifications of pathogenicity. Review status: criteria provided, conflicting classifications (1 of 4 stars). 3 submissions from 3 submitters: Uncertain significance (2); Likely benign (1). Last evaluated 2025-03-20.

Conditions:
Inborn genetic diseases. Identifiers: MedGen C0950123, MeSH D030342.

Allele frequency attached by ClinVar (database versions not stated): 1000 Genomes Project 30x 0.00031; ExAC 0.00038; 1000 Genomes Project 0.00040.

Submissions (3):

GeneDx
Classification: Uncertain significance. Last evaluated: 2025-03-20. Review status: criteria provided, single submitter. Criteria: GeneDx Variant Classification Process June 2021. Collection method: clinical testing. Allele origin: germline. Affected: yes.
Comment: Has not been previously published as pathogenic or benign to our knowledge; In silico analysis supports that this missense variant has a deleterious effect on protein structure/function

Labcorp Genetics (formerly Invitae), Labcorp
Classification: Uncertain significance. Last evaluated: 2024-03-07. Review status: criteria provided, single submitter. Criteria: Invitae Variant Classification Sherloc (09022015). Collection method: clinical testing. Allele origin: germline.
Comment: This sequence change replaces glycine, which is neutral and non-polar, with serine, which is neutral and polar, at codon 592 of the MAGEL2 protein (p.Gly592Ser). This variant is present in population databases (rs543247133, gnomAD 0.04%), and has an allele count higher than expected for a pathogenic variant. This variant has not been reported in the literature in individuals affected with MAGEL2-related conditions. ClinVar contains an entry for this variant (Variation ID: 2031771). Advanced modeling of protein sequence and biophysical properties (such as structural, functional, and spatial information, amino acid conservation, physicochemical variation, residue mobility, and thermodynamic stability) performed at Invitae indicates that this missense variant is not expected to disrupt MAGEL2 protein function with a negative predictive value of 80%. In summary, the available evidence is currently insufficient to determine the role of this variant in disease. Therefore, it has been classified as a Variant of Uncertain Significance.

Ambry Genetics
Classification: Likely benign for Inborn genetic diseases. Last evaluated: 2022-01-27. Review status: criteria provided, single submitter. Criteria: Ambry Variant Classification Scheme 2023. Collection method: clinical testing. Allele origin: germline.

NM_019066.5(MAGEL2):c.1774G>A (p.Gly592Ser)

Gene: MAGEL2 (MAGE family member L2; minus strand). Cytogenetic location: 15q11.2.
Variant type: single nucleotide variant.
Coding change: c.1774G>A on transcript NM_019066.5 (MANE Select); coding-DNA position 1774, G replaced by A.
Protein change: p.Gly592Ser; replaces glycine 592 with serine.
Molecular consequence: missense variant.
Genome position (GRCh38, 1-based): chr15:23,645,969, C>T on the plus strand (G>A on the coding strand, the complement: MAGEL2 is on the minus strand). VCF-style: chr15-23645969-C-T. GRCh37 (hg19) VCF-style: chr15-23891116-C-T.
Other names: short protein forms G592S.
Identifiers: ClinVar variation 2031771 (VCV002031771.6), dbSNP rs543247133, ClinGen allele CA7430023.
Genomic context (GRCh38, chr15:23,645,969, plus strand): 5'-TCTGCTGCACCTCCTGGAATTCCATTGACGTTGGAATCTCGTGTGGCACCGGGGGCTGAC[C>T]TTTGGGGGCCTGCCAGATGATGGAAGGGCAGTGCACAGCCTGCGGGGCAGACAGTGGGGC-3'
Protein context (NP_061939.3, residues 582-602): CPSIIWQAPK[Gly592Ser]QPPVPHEIPT